The following is an entry in ClinVar:

NM_023110.3(FGFR1):c.921T>C (p.Tyr307=)

Gene: FGFR1 (fibroblast growth factor receptor 1; minus strand). Cytogenetic location: 8p11.23.
Variant type: single nucleotide variant.
Coding change: c.921T>C on transcript NM_023110.3 (MANE Select); coding-DNA position 921, T replaced by C.
Protein change: p.Tyr307=; no amino-acid change (tyrosine 307 retained).
Molecular consequence: synonymous variant.
Genome position (GRCh38, 1-based): chr8:38,424,524, A>G on the plus strand (T>C on the coding strand, the complement: FGFR1 is on the minus strand). VCF-style: chr8-38424524-A-G. GRCh37 (hg19) VCF-style: chr8-38282042-A-G.
Other names: c.921T>C (NM_023110.2); c.921T>C, p.Tyr307= (NM_001174063.2); c.897T>C, p.Tyr299= (NM_001174064.2); c.915T>C, p.Tyr305= (NM_001174065.2, NM_001354367.2, NM_001354369.2 and 1 more transcripts); c.654T>C, p.Tyr218= (NM_001174066.2, NM_023105.3); c.1014T>C, p.Tyr338= (NM_001174067.2); c.648T>C, p.Tyr216= (NM_001354368.2, NM_001354370.2, NM_023106.3).
Identifiers: ClinVar variation 1092309 (VCV001092309.10), dbSNP rs377010221, ClinGen allele CA4718626.
Genomic context (GRCh38, chr8:38,424,524, plus strand): 5'-CTCCTTCCCAGTAGACTGGCCCACGAAGACTGGTGCCATGATTACCTTCAAGATCTGGAC[A>G]TAAGGCAGGTTGTCTGGGCCAATCTTGCTCCCATTCACCTCGATGTGCTTTAGCCACTGG-3'
Protein context (NP_075598.2, residues 297-317): GSKIGPDNLP[Tyr307=]VQILKTAGVN

ClinVar aggregate classification (germline): Likely benign. Review status: criteria provided, multiple submitters, no conflicts (2 of 4 stars). 3 submissions from 3 submitters: Likely benign (2). 1 of the submissions does not count toward it. Last evaluated 2024-11-14.

Conditions:
Hypogonadotropic hypogonadism 2 with or without anosmia (HH2). Also called: HYPOGONADOTROPIC HYPOGONADISM 2 WITHOUT ANOSMIA; HYPOGONADOTROPIC HYPOGONADISM 2 WITH OR WITHOUT ANOSMIA, SUSCEPTIBILITY TO; HYPOGONADOTROPIC HYPOGONADISM 2 WITHOUT ANOSMIA, SUSCEPTIBILITY TO; FGFR1-Related GnRH Deficiency (Kallmann Syndrome 2). Identifiers: Orphanet 478, MedGen C1563720, MONDO:0007844, OMIM 147950. Disease mechanism: loss of function.
Pfeiffer syndrome (ACS5). Also called: ACS V. Identifiers: Orphanet 710, MedGen C0220658, MONDO:0007043, OMIM 101600.
FGFR1-related disorder. Also called: FGFR1-related disorders; FGFR1-related condition. Identifiers: MedGen CN380097.
Jackson-Weiss syndrome (JWS). Also called: CRANIOSYNOSTOSIS, MIDFACIAL HYPOPLASIA, AND FOOT ABNORMALITIES. Identifiers: Orphanet 1540, MedGen C0795998, MONDO:0007400, OMIM 123150. Disease mechanism: loss of function.
Hartsfield-Bixler-Demyer syndrome (HRTFDS). Also called: Holoprosencephaly, ectrodactyly, and bilateral cleft lip/palate; Hartsfield syndrome; FGFR1-Related Hartsfield Syndrome. Identifiers: Orphanet 2117, MedGen C1845146, MONDO:0014196, OMIM 615465. Disease mechanism: loss of function.
Encephalocraniocutaneous lipomatosis (ECCL). Identifiers: Orphanet 2396, MedGen C0406612, MONDO:0013074, OMIM 613001.
Osteoglophonic dysplasia (OGD). Also called: Osteoglophonic dwarfism. Identifiers: Orphanet 2645, MedGen C0432283, MONDO:0008150, OMIM 166250.
Trigonocephaly 1 (TRIGNO1). Identifiers: Orphanet 3366, MedGen C0432122, MONDO:0008603, OMIM 190440.

Allele frequency attached by ClinVar (database versions not stated): gnomAD exomes 0.00003 and 0.00006; ExAC 0.00006; gnomAD 0.00009; ESP Exome Variant Server 0.00008; TOPMed 0.00017.
gnomAD v4.1: 55 of 1,614,036 alleles (0.0034%); highest among the groups gnomAD compares: African/African-American, 0.044%; no homozygotes.

Submissions (3):

Labcorp Genetics (formerly Invitae), Labcorp
Classification: Likely benign for Pfeiffer syndrome; Hypogonadotropic hypogonadism 2 with or without anosmia. Last evaluated: 2024-11-14. Review status: criteria provided, single submitter. Criteria: Invitae Variant Classification Sherloc (09022015). Collection method: clinical testing. Allele origin: germline.

Fulgent Genetics
Classification: Likely benign for Pfeiffer syndrome; Jackson-Weiss syndrome; Hypogonadotropic hypogonadism 2 with or without anosmia; Osteoglophonic dysplasia; Trigonocephaly 1; Encephalocraniocutaneous lipomatosis; Hartsfield-Bixler-Demyer syndrome. Last evaluated: 2021-09-03. Review status: criteria provided, single submitter. Criteria: ACMG Guidelines, 2015. Collection method: clinical testing. Allele origin: unknown.

PreventionGenetics, part of Exact Sciences
Classification: Likely benign for FGFR1-related condition. Last evaluated: 2019-10-22. Review status: no assertion criteria provided. Collection method: clinical testing. Allele origin: germline. Not counted in ClinVar's aggregate classification.
Comment: This variant is classified as likely benign based on ACMG/AMP sequence variant interpretation guidelines (Richards et al. 2015 PMID: 25741868, with internal and published modifications).